The following is an entry in ClinVar:

ClinVar aggregate classification (germline): Uncertain significance. Review status: criteria provided, multiple submitters, no conflicts (2 of 4 stars). 2 submissions from 2 submitters: Uncertain significance (2). Last evaluated 2024-05-12.

Conditions:
Epilepsy, familial focal, with variable foci 3 (FFEVF3). Identifiers: MedGen C4310708, MONDO:0014925, OMIM 617118.
NPRL3-related disorder. Also called: NPRL3-related condition.

Allele frequency attached by ClinVar (database versions not stated): gnomAD 0.00001; TOPMed 0.00001.
gnomAD v4.1: 12 of 1,552,428 alleles (0.00077%); highest among the groups gnomAD compares: Middle Eastern, 0.017%; no homozygotes.

Submissions (2):

Labcorp Genetics (formerly Invitae), Labcorp
Classification: Uncertain significance for Epilepsy, familial focal, with variable foci 3. Last evaluated: 2024-05-12. Review status: criteria provided, single submitter. Criteria: Invitae Variant Classification Sherloc (09022015). Collection method: clinical testing. Allele origin: germline.
Comment: This sequence change replaces glycine, which is neutral and non-polar, with serine, which is neutral and polar, at codon 60 of the NPRL3 protein (p.Gly60Ser). This variant is not present in population databases (gnomAD no frequency). This variant has not been reported in the literature in individuals affected with NPRL3-related conditions. ClinVar contains an entry for this variant (Variation ID: 2628649). Advanced modeling of protein sequence and biophysical properties (such as structural, functional, and spatial information, amino acid conservation, physicochemical variation, residue mobility, and thermodynamic stability) performed at Invitae indicates that this missense variant is not expected to disrupt NPRL3 protein function with a negative predictive value of 80%. In summary, the available evidence is currently insufficient to determine the role of this variant in disease. Therefore, it has been classified as a Variant of Uncertain Significance.

PreventionGenetics, part of Exact Sciences
Classification: Uncertain significance for NPRL3-related condition. Last evaluated: 2023-07-26. Review status: criteria provided, single submitter. Criteria: ACMG Guidelines, 2015. Collection method: clinical testing. Allele origin: germline.
Comment: The NPRL3 c.178G>A variant is predicted to result in the amino acid substitution p.Gly60Ser. To our knowledge, this variant has not been reported in the literature or in a large population database, indicating this variant is rare. At this time, the clinical significance of this variant is uncertain due to the absence of conclusive functional and genetic evidence.

NM_001077350.3(NPRL3):c.178G>A (p.Gly60Ser)

Genes: HBA-LCR (alpha-globin locus control region; plus strand), NPRL3 (NPR3 like, GATOR1 complex subunit; minus strand). Cytogenetic location: 16p13.3.
Variant type: single nucleotide variant.
Coding change: c.178G>A on transcript NM_001077350.3 (MANE Select); coding-DNA position 178, G replaced by A.
Protein change: p.Gly60Ser; replaces glycine 60 with serine.
Molecular consequence: missense variant. On other transcripts: 5 prime UTR variant (2).
Genome position (GRCh38, 1-based): chr16:130,532, C>T on the plus strand (G>A on the coding strand, the complement: NPRL3 is on the minus strand). VCF-style: chr16-130532-C-T. GRCh37 (hg19) VCF-style: chr16-180531-C-T.
Other names: c.-155G>A (NM_001039476.3); c.-194G>A (NM_001243247.2); c.178G>A, p.Gly60Ser (NM_001243248.2, NM_001243249.2); short protein forms G60S.
Identifiers: ClinVar variation 2628649 (VCV002628649.4), dbSNP rs1222017166, ClinGen allele CA393997715.